The following is an entry in ClinVar:

NM_152564.5(VPS13B):c.1002T>G (p.Tyr334Ter)

Gene: VPS13B (vacuolar protein sorting 13 homolog B; plus strand). Cytogenetic location: 8q22.2.
Variant type: single nucleotide variant.
Coding change: c.1002T>G on transcript NM_152564.5 (MANE Select); coding-DNA position 1002, T replaced by G.
Protein change: p.Tyr334Ter; replaces tyrosine 334 with a stop codon.
Molecular consequence: nonsense. On other transcripts: non-coding transcript variant (1).
Genome position (GRCh38, 1-based): chr8:99,121,241, T>G. VCF-style: chr8-99121241-T-G. GRCh37 (hg19) VCF-style: chr8-100133469-T-G.
Other names: c.1002T>G, p.Tyr334Ter (NM_015243.3, NM_017890.5, NM_181661.3); short protein forms Y334*.
Identifiers: ClinVar variation 374643 (VCV000374643.44), dbSNP rs1057519182, ClinGen allele CA16043828.

ClinVar aggregate classification (germline): Pathogenic/Likely pathogenic. Review status: criteria provided, multiple submitters, no conflicts (2 of 4 stars). 2 submissions from 2 submitters: Pathogenic (1); Likely pathogenic (1). Last evaluated 2026-01-15.

Conditions:
Cohen syndrome (COH1). Also called: Cutis verticis gyrata, retinitis pigmentosa, and sensorineural deafness; PEPPER SYNDROME. Identifiers: Orphanet 193, MedGen C0265223, MONDO:0008999, OMIM 216550.

gnomAD v4.1: 1 of 1,614,144 alleles (0.000062%); highest among the groups gnomAD compares: Non-Finnish European, 0.000085%; no homozygotes.

Submissions (2):

Labcorp Genetics (formerly Invitae), Labcorp
Classification: Pathogenic for Cohen syndrome. Last evaluated: 2026-01-15. Review status: criteria provided, single submitter. Criteria: Invitae Variant Classification Sherloc (09022015). Collection method: clinical testing. Allele origin: germline.
Comment: This sequence change creates a premature translational stop signal (p.Tyr334*) in the VPS13B gene. It is expected to result in an absent or disrupted protein product. Loss-of-function variants in VPS13B are known to be pathogenic (PMID: 15141358, 16648375, 20461111). This variant is not present in population databases (gnomAD no frequency). This variant has not been reported in the literature in individuals affected with VPS13B-related conditions. ClinVar contains an entry for this variant (Variation ID: 374643). For these reasons, this variant has been classified as Pathogenic.

CeGaT Center for Human Genetics Tuebingen
Classification: Likely pathogenic. Last evaluated: 2016-07-01. Review status: criteria provided, single submitter. Criteria: CeGaT Center For Human Genetics Tuebingen Variant Classification Criteria Version 2. Collection method: clinical testing. Allele origin: germline. Affected: yes. Observed: 1 variant allele.

Literature cited by the submitters: PubMed 15141358 (cited by Labcorp Genetics (formerly Invitae), Labcorp); PubMed 16648375 (cited by Labcorp Genetics (formerly Invitae), Labcorp); PubMed 20461111 (cited by Labcorp Genetics (formerly Invitae), Labcorp).